The following is an entry in ClinVar:

NM_014915.3(ANKRD26):c.3464A>G (p.Asn1155Ser)

Gene: ANKRD26 (ankyrin repeat domain 26; minus strand). Cytogenetic location: 10p12.1.
Variant type: single nucleotide variant.
Coding change: c.3464A>G on transcript NM_014915.3 (MANE Select); coding-DNA position 3464, A replaced by G.
Protein change: p.Asn1155Ser; replaces asparagine 1155 with serine.
Molecular consequence: missense variant.
Genome position (GRCh38, 1-based): chr10:27,034,986, T>C on the plus strand (A>G on the coding strand, the complement: ANKRD26 is on the minus strand). VCF-style: chr10-27034986-T-C. GRCh37 (hg19) VCF-style: chr10-27323915-T-C.
Other names: c.3461A>G, p.Asn1154Ser (NM_001256053.2); short protein forms N1154S, N1155S.
Identifiers: ClinVar variation 3124346 (VCV003124346.2), dbSNP rs2053995470, ClinGen allele CA376362868.
Genomic context (GRCh38, chr10:27,034,986, plus strand): 5'-ACAATAGCATGAAACTGGTCTTGGATATTAATCACTGTCTTCTCTTTATTGTCAGCCTTG[T>C]TGTGGGCATCATCCAGTTGTTGTCGAAGCAACATATTCTCACTTTGTAGTTGAGACAATC-3'
Protein context (NP_055730.2, residues 1145-1165): LLRQQLDDAH[Asn1155Ser]KADNKEKTVI

ClinVar aggregate classification (germline): Uncertain significance (1 of 4 stars; one submission).

Conditions:
Inborn genetic diseases. Identifiers: MedGen C0950123, MeSH D030342.

Allele frequency attached by ClinVar (database versions not stated): gnomAD exomes 0.00001; TOPMed below 0.00001.
gnomAD v4.1: 7 of 1,614,118 alleles (0.00043%); highest among the groups gnomAD compares: Non-Finnish European, 0.00059%; no homozygotes.

Submission:

Ambry Genetics
Classification: Uncertain significance for Inborn genetic diseases. Last evaluated: 2025-10-14. Review status: criteria provided, single submitter. Criteria: Ambry Variant Classification Scheme 2023. Collection method: clinical testing. Allele origin: germline.
Comment: The p.N1155S variant (also known as c.3464A>G), located in coding exon 24 of the ANKRD26 gene, results from an A to G substitution at nucleotide position 3464. The asparagine at codon 1155 is replaced by serine, an amino acid with highly similar properties. This amino acid position is conserved. In addition, this alteration is predicted to be tolerated by in silico analysis. Based on the available evidence, the clinical significance of this variant remains unclear.